The following is an entry in ClinVar:

ClinVar aggregate classification (germline): Uncertain significance (1 of 4 stars; one submission).

Conditions:
Dyskeratosis congenita, autosomal recessive 5 (DKCB5). Identifiers: MedGen C3554656, MONDO:0014076, OMIM 615190.
Pulmonary fibrosis and/or bone marrow failure, Telomere-related, 3. Also called: PULMONARY FIBROSIS AND/OR BONE MARROW FAILURE SYNDROME, TELOMERE-RELATED, 3. Identifiers: Orphanet 2032, MedGen C4225346, MONDO:0014613, OMIM 616373.

Submission:

Labcorp Genetics (formerly Invitae), Labcorp
Classification: Uncertain significance for Dyskeratosis congenita, autosomal recessive 5; Pulmonary fibrosis and/or bone marrow failure, Telomere-related, 3. Last evaluated: 2024-07-10. Review status: criteria provided, single submitter. Criteria: Invitae Variant Classification Sherloc (09022015). Collection method: clinical testing. Allele origin: germline.
Comment: This sequence change falls in intron 33 of the RTEL1 gene. It does not directly change the encoded amino acid sequence of the RTEL1 protein. This variant is present in population databases (rs763129093, gnomAD 0.006%). This variant has not been reported in the literature in individuals affected with RTEL1-related conditions. Algorithms developed to predict the effect of sequence changes on RNA splicing suggest that this variant may disrupt the consensus splice site. In summary, the available evidence is currently insufficient to determine the role of this variant in disease. Therefore, it has been classified as a Variant of Uncertain Significance.

NM_001283009.2(RTEL1):c.3500-10_3500-9del

Genes: RTEL1 (regulator of telomere elongation helicase 1; plus strand), RTEL1-TNFRSF6B (RTEL1-TNFRSF6B readthrough (NMD candidate); plus strand). Cytogenetic location: 20q13.33.
Variant type: Microsatellite.
Coding change: c.3500-10_3500-9del on transcript NM_001283009.2 (MANE Select); 10 bases into the intron before coding-DNA position 3500 through 9 bases into the intron before coding-DNA position 3500, 2 bases deleted (CT; older notation c.3500-10_3500-9delCT).
Molecular consequence: intron variant.
Genome position (GRCh38, 1-based): chr20:63,695,318-63,695,319, CT deleted; deleting any 2 consecutive bases within chr20:63,695,315-63,695,319 gives the same sequence; the c. name uses the placement nearest the transcript's 3' end. VCF-style (leftmost placement, unchanged base first): chr20-63695314-GTC-G. GRCh37 (hg19) VCF-style: chr20-62326667-GTC-G.
Other names: c.2831-10_2831-9del (NM_001283010.1); c.3572-10_3572-9del (NM_032957.5); c.3500-10_3500-9del (NM_016434.4).
Identifiers: ClinVar variation 2929554 (VCV002929554.3), dbSNP rs763129093, ClinGen allele CA9966091.